The following is an entry in ClinVar:

NM_001080.3(ALDH5A1):c.563C>T (p.Ala188Val)

Gene: ALDH5A1 (aldehyde dehydrogenase 5 family member A1; plus strand). Cytogenetic location: 6p22.3.
Variant type: single nucleotide variant.
Coding change: c.563C>T on transcript NM_001080.3 (MANE Select); coding-DNA position 563, C replaced by T.
Protein change: p.Ala188Val; replaces alanine 188 with valine.
Molecular consequence: missense variant.
Genome position (GRCh38, 1-based): chr6:24,503,387, C>T. VCF-style: chr6-24503387-C-T. GRCh37 (hg19) VCF-style: chr6-24503615-C-T.
Other names: c.563C>T, p.Ala188Val (NM_001368954.1, NM_170740.1); short protein forms A188V.
Identifiers: ClinVar variation 1333412 (VCV001333412.4), dbSNP rs779139147, ClinGen allele CA3656655.

ClinVar aggregate classification (germline): Uncertain significance. Review status: criteria provided, multiple submitters, no conflicts (2 of 4 stars). 2 submissions from 2 submitters: Uncertain significance (2). Last evaluated 2022-08-09.

Conditions:
Succinate-semialdehyde dehydrogenase deficiency (SSADHD). Also called: Succinic Semialdehyde Dehydrogenase Deficiency; 4-HYDROXYBUTYRIC ACIDURIA; GABA METABOLIC DEFECT; SSADH DEFICIENCY. Identifiers: Orphanet 22, MedGen C0268631, MONDO:0010083, OMIM 271980.

Allele frequency attached by ClinVar (database versions not stated): TOPMed below 0.00001; gnomAD exomes 0.00001 and 0.00003; ExAC 0.00002.
gnomAD v4.1: 19 of 1,613,756 alleles (0.0012%); highest among the groups gnomAD compares: Middle Eastern, 0.033%; no homozygotes.

Submissions (2):

Labcorp Genetics (formerly Invitae), Labcorp
Classification: Uncertain significance for Succinate-semialdehyde dehydrogenase deficiency. Last evaluated: 2022-08-09. Review status: criteria provided, single submitter. Criteria: Invitae Variant Classification Sherloc (09022015). Collection method: clinical testing. Allele origin: germline.
Comment: This sequence change replaces alanine, which is neutral and non-polar, with valine, which is neutral and non-polar, at codon 188 of the ALDH5A1 protein (p.Ala188Val). This variant is present in population databases (rs779139147, gnomAD 0.02%). This variant has not been reported in the literature in individuals affected with ALDH5A1-related conditions. ClinVar contains an entry for this variant (Variation ID: 1333412). Advanced modeling of protein sequence and biophysical properties (such as structural, functional, and spatial information, amino acid conservation, physicochemical variation, residue mobility, and thermodynamic stability) performed at Invitae indicates that this missense variant is not expected to disrupt ALDH5A1 protein function. In summary, the available evidence is currently insufficient to determine the role of this variant in disease. Therefore, it has been classified as a Variant of Uncertain Significance.

3billion
Classification: Uncertain significance for Succinate-semialdehyde dehydrogenase deficiency. Last evaluated: 2022-01-03. Review status: criteria provided, single submitter. Criteria: ACMG Guidelines, 2015. Collection method: clinical testing. Allele origin: germline. Affected: yes. Observed: 1 homozygote.
Comment: The variant is observed at an extremely low frequency in the gnomAD v2.1.1 dataset (total allele frequency: 0.000028, PM2_M). In silico tool predictions suggest damaging effect of the variant on gene or gene product (3CNET: 0.83, PP3_P). Therefore, this variant is classified as uncertain significance according to the recommendation of ACMG/AMP guideline.